The following is an entry in ClinVar:

ClinVar aggregate classification (germline): Uncertain significance (1 of 4 stars; one submission).

Submission:

GeneDx
Classification: Uncertain significance. Last evaluated: 2024-09-25. Review status: criteria provided, single submitter. Criteria: GeneDx Variant Classification Process June 2021. Collection method: clinical testing. Allele origin: germline. Affected: yes.
Comment: Not observed at significant frequency in large population cohorts (gnomAD); In silico analysis supports that this missense variant has a deleterious effect on protein structure/function; Has not been previously published as pathogenic or benign to our knowledge

NM_001846.4(COL4A2):c.4225A>T (p.Arg1409Trp)

Genes: COL4A2-AS1 (COL4A2 antisense RNA 1; minus strand), COL4A2 (collagen type IV alpha 2 chain; plus strand). Cytogenetic location: 13q34.
Variant type: single nucleotide variant.
Coding change: c.4225A>T on transcript NM_001846.4 (MANE Select); coding-DNA position 4225, A replaced by T.
Protein change: p.Arg1409Trp; replaces arginine 1409 with tryptophan.
Molecular consequence: missense variant.
Genome position (GRCh38, 1-based): chr13:110,503,933, A>T. VCF-style: chr13-110503933-A-T. GRCh37 (hg19) VCF-style: chr13-111156280-A-T.
Other names: short protein forms R1409W.
Identifiers: ClinVar variation 3774987 (VCV003774987.1).
Genomic context (GRCh38, chr13:110,503,933, plus strand): 5'-GGGATTGCAGGAATCCCCCAGAAGATTGCCGTCCAACCAGGGACAGTGGGTCCCCAGGGG[A>T]GGCGAGGCCCCCCTGGGGCACCGGGGGAGATGGGGCCCCAGGGCCCCCCCGGAGAACCAG-3'
Protein context (NP_001837.2, residues 1399-1419): VQPGTVGPQG[Arg1409Trp]RGPPGAPGEM